The following is an entry in ClinVar:

NM_020461.4(TUBGCP6):c.104G>A (p.Arg35Gln)

Gene: TUBGCP6 (tubulin gamma complex component 6; minus strand). Cytogenetic location: 22q13.33.
Variant type: single nucleotide variant.
Coding change: c.104G>A on transcript NM_020461.4 (MANE Select); coding-DNA position 104, G replaced by A.
Protein change: p.Arg35Gln; replaces arginine 35 with glutamine.
Molecular consequence: missense variant.
Genome position (GRCh38, 1-based): chr22:50,244,356, C>T on the plus strand (G>A on the coding strand, the complement: TUBGCP6 is on the minus strand). VCF-style: chr22-50244356-C-T. GRCh37 (hg19) VCF-style: chr22-50682785-C-T.
Other names: c.104G>A (NM_020461.3); short protein forms R35Q.
Identifiers: ClinVar variation 1145072 (VCV001145072.12), dbSNP rs139896192, ClinGen allele CA10309120.

ClinVar aggregate classification (germline): Likely benign. Review status: criteria provided, multiple submitters, no conflicts (2 of 4 stars). 3 submissions from 3 submitters: Likely benign (2). 1 of the submissions does not count toward it. Last evaluated 2026-01-26.

Conditions:
TUBGCP6-related disorder. Also called: TUBGCP6-related condition.

Allele frequency attached by ClinVar (database versions not stated): ExAC 0.00011; gnomAD exomes 0.00012; 1000 Genomes Project 30x 0.00031; 1000 Genomes Project 0.00040; TOPMed 0.00054; gnomAD 0.00059 and 0.00066; ESP Exome Variant Server 0.00069.
gnomAD v4.1: 194 of 1,613,458 alleles (0.012%); highest among the groups gnomAD compares: African/African-American, 0.24%; 1 homozygote.

Submissions (3):

Labcorp Genetics (formerly Invitae), Labcorp
Classification: Likely benign. Last evaluated: 2026-01-26. Review status: criteria provided, single submitter. Criteria: Invitae Variant Classification Sherloc (09022015). Collection method: clinical testing. Allele origin: germline.

Blueprint Genetics
Classification: Likely benign. Last evaluated: 2023-12-05. Review status: criteria provided, single submitter. Criteria: ACMG Guidelines, 2015. Collection method: clinical testing. Allele origin: germline.

PreventionGenetics, part of Exact Sciences
Classification: Likely benign for TUBGCP6-related condition. Last evaluated: 2023-02-07. Review status: no assertion criteria provided. Collection method: clinical testing. Allele origin: germline. Not counted in ClinVar's aggregate classification.
Comment: This variant is classified as likely benign based on ACMG/AMP sequence variant interpretation guidelines (Richards et al. 2015 PMID: 25741868, with internal and published modifications).